The following is an entry in ClinVar:

ClinVar aggregate classification (germline): Likely pathogenic (1 of 4 stars; one submission).

Conditions:
Peroxisome biogenesis disorder 11B (PBD11B). Identifiers: Orphanet 44, MedGen C3554001, MONDO:0013950, OMIM 614885.
Peroxisome biogenesis disorder 11A (Zellweger). Also called: Peroxisome biogenesis disorder 11A. Identifiers: Orphanet 912, MedGen C3554000, MONDO:0013949, OMIM 614883.

Submission:

Juno Genomics, Hangzhou Juno Genomics, Inc
Classification: Likely pathogenic for Peroxisome biogenesis disorder 11A (Zellweger); Peroxisome biogenesis disorder 11B. Review status: criteria provided, single submitter. Criteria: ACMG Guidelines, 2015. Collection method: clinical testing. Allele origin: germline.
Comment: Null variant in a gene where loss of function (LOF) is a known mechanism of disease.;Absent from controls (or at extremely low frequency if recessive) in Genome Aggregation Database.

NM_002618.4(PEX13):c.27dup (p.Lys10fs)

Genes: PEX13 (peroxisomal biogenesis factor 13; plus strand), PUS10 (pseudouridine synthase 10; minus strand). Cytogenetic location: 2p15.
Variant type: Duplication.
Coding change: c.27dup on transcript NM_002618.4 (MANE Select); coding-DNA position 27, one base duplicated (C; older notation c.27dupC).
Protein change: p.Lys10fs; shifts the reading frame from lysine 10.
Molecular consequence: frameshift variant. On other transcripts: intron variant (2).
Genome position (GRCh38, 1-based): chr2:61,017,786, C duplicated; the last of 6 consecutive C bases (chr2:61,017,781-61,017,786); duplicating any one gives the same sequence. VCF-style (leftmost placement, unchanged base first): chr2-61017780-T-TC. GRCh37 (hg19) VCF-style: chr2-61244915-T-TC.
Other names: c.-16+227dup (NM_144709.4); c.-623+227dup (NM_001322127.1); short protein forms K10fs.
Identifiers: ClinVar variation 5006314 (VCV005006314.2).